The following is an entry in ClinVar:

ClinVar aggregate classification (germline): Uncertain significance (1 of 4 stars; one submission).

Submission:

Labcorp Genetics (formerly Invitae), Labcorp
Classification: Uncertain significance. Last evaluated: 2019-03-12. Review status: criteria provided, single submitter. Criteria: Invitae Variant Classification Sherloc (09022015). Collection method: clinical testing. Allele origin: germline.
Comment: In summary, the available evidence is currently insufficient to determine the role of this variant in disease. Therefore, it has been classified as a Variant of Uncertain Significance. Algorithms developed to predict the effect of missense changes on protein structure and function (SIFT, PolyPhen-2, Align-GVGD) all suggest that this variant is likely to be disruptive, but these predictions have not been confirmed by published functional studies and their clinical significance is uncertain. This variant has not been reported in the literature in individuals with POLE-related conditions. This variant is not present in population databases (ExAC no frequency). This sequence change replaces alanine with serine at codon 957 of the POLE protein (p.Ala957Ser). The alanine residue is highly conserved and there is a moderate physicochemical difference between alanine and serine.

NM_006231.4(POLE):c.2869G>T (p.Ala957Ser)

Gene: POLE (DNA polymerase epsilon, catalytic subunit; minus strand). Cytogenetic location: 12q24.33.
Variant type: single nucleotide variant.
Coding change: c.2869G>T on transcript NM_006231.4 (MANE Select); coding-DNA position 2869, G replaced by T.
Protein change: p.Ala957Ser; replaces alanine 957 with serine.
Molecular consequence: missense variant.
Genome position (GRCh38, 1-based): chr12:132,661,160, C>A on the plus strand (G>T on the coding strand, the complement: POLE is on the minus strand). VCF-style: chr12-132661160-C-A. GRCh37 (hg19) VCF-style: chr12-133237746-C-A.
Other names: short protein forms A957S.
Identifiers: ClinVar variation 851324 (VCV000851324.9), dbSNP rs1163917303, ClinGen allele CA387392983.